The following is an entry in ClinVar:

NM_001267550.2(TTN):c.47603C>A (p.Ser15868Tyr)

Genes: TTN (titin; minus strand), TTN-AS1 (TTN antisense RNA 1; plus strand). Cytogenetic location: 2q31.2.
Variant type: single nucleotide variant.
Coding change: c.47603C>A on transcript NM_001267550.2 (MANE Select); coding-DNA position 47603, C replaced by A.
Protein change: p.Ser15868Tyr; replaces serine 15868 with tyrosine.
Molecular consequence: missense variant.
Genome position (GRCh38, 1-based): chr2:178,617,482, G>T on the plus strand (C>A on the coding strand, the complement: TTN is on the minus strand). VCF-style: chr2-178617482-G-T. GRCh37 (hg19) VCF-style: chr2-179482209-G-T.
Other names: c.42680C>A, p.Ser14227Tyr (NM_001256850.1); c.20408C>A, p.Ser6803Tyr (NM_003319.4); c.39899C>A, p.Ser13300Tyr (NM_133378.4); c.20783C>A, p.Ser6928Tyr (NM_133432.3); c.20984C>A, p.Ser6995Tyr (NM_133437.4); short protein forms S13300Y, S14227Y, S15868Y, S6803Y, S6928Y, S6995Y.
Identifiers: ClinVar variation 4529886 (VCV004529886.1).

ClinVar aggregate classification (germline): Uncertain significance (1 of 4 stars; one submission).

gnomAD v4.1: 3 of 1,593,724 alleles (0.00019%); highest among the groups gnomAD compares: Non-Finnish European, 0.00026%; no homozygotes.

Submission:

GeneDx
Classification: Uncertain significance. Last evaluated: 2025-05-12. Review status: criteria provided, single submitter. Criteria: GeneDx Variant Classification Process June 2021. Collection method: clinical testing. Allele origin: germline. Affected: yes.
Comment: Not observed at significant frequency in large population cohorts (gnomAD); Missense variant in a gene in which most reported pathogenic variants are truncating/loss of function; Has not been previously published as pathogenic or benign to our knowledge